The following is an entry in ClinVar:

NM_001321075.3(DLG4):c.2058G>A (p.Glu686=)

Gene: DLG4 (discs large MAGUK scaffold protein 4; minus strand). Cytogenetic location: 17p13.1.
Variant type: single nucleotide variant.
Coding change: c.2058G>A on transcript NM_001321075.3 (MANE Select); coding-DNA position 2058, G replaced by A.
Protein change: p.Glu686=; no amino-acid change (glutamic acid 686 retained).
Molecular consequence: synonymous variant. On other transcripts: non-coding transcript variant (1).
Genome position (GRCh38, 1-based): chr17:7,191,277, C>T on the plus strand (G>A on the coding strand, the complement: DLG4 is on the minus strand). VCF-style: chr17-7191277-C-T. GRCh37 (hg19) VCF-style: chr17-7094596-C-T.
Other names: c.2049G>A, p.Glu683= (NM_001128827.4); c.2178G>A, p.Glu726= (NM_001321074.1); c.1878G>A, p.Glu626= (NM_001321076.3, NM_001321077.3); c.2187G>A, p.Glu729= (NM_001365.5); c.1977G>A, p.Glu659= (NM_001369566.3).
Identifiers: ClinVar variation 3041247 (VCV003041247.2), dbSNP rs560100344, ClinGen allele CA8336768.
Genomic context (GRCh38, chr17:7,191,277, plus strand): 5'-TCCGAGCAAGGGCACCCTACATGCTGGCAACAGCCTTGCTGTGGCCTCACCTGAGAAGCA[C>T]TCTGTGAACTCCTGCTCCAGCTTGGTGGCTCTGTCGAAGGCTTTGCGGGCTTGCTCCTCT-3'
Protein context (NP_001308004.1, residues 676-696): RATKLEQEFT[Glu686=]CFSAIVEGDS

ClinVar aggregate classification (germline): Benign (0 of 4 stars; one submission).

Conditions:
DLG4-related disorder. Also called: DLG4-related condition.

Allele frequency attached by ClinVar (database versions not stated): TOPMed 0.00011; gnomAD 0.00060; gnomAD exomes 0.00108; ExAC 0.00221; 1000 Genomes Project 30x 0.00344; 1000 Genomes Project 0.00359.
gnomAD v4.1: 1,657 of 1,613,948 alleles (0.1%); highest among the groups gnomAD compares: South Asian, 1.7%; 30 homozygotes.

Submission:

PreventionGenetics, part of Exact Sciences
Classification: Benign for DLG4-related condition. Last evaluated: 2023-12-28. Review status: no assertion criteria provided. Collection method: clinical testing. Allele origin: germline.
Comment: This variant is classified as benign based on ACMG/AMP sequence variant interpretation guidelines (Richards et al. 2015 PMID: 25741868, with internal and published modifications).